The following is an entry in ClinVar:

NM_014476.6(PDLIM3):c.11C>T (p.Thr4Met)

Gene: PDLIM3 (PDZ and LIM domain 3; minus strand). Cytogenetic location: 4q35.1.
Variant type: single nucleotide variant.
Coding change: c.11C>T on transcript NM_014476.6 (MANE Select); coding-DNA position 11, C replaced by T.
Protein change: p.Thr4Met; replaces threonine 4 with methionine.
Molecular consequence: missense variant. On other transcripts: non-coding transcript variant (1).
Genome position (GRCh38, 1-based): chr4:185,535,424, G>A on the plus strand (C>T on the coding strand, the complement: PDLIM3 is on the minus strand). VCF-style: chr4-185535424-G-A. GRCh37 (hg19) VCF-style: chr4-186456578-G-A.
Other names: p.T4M:ACG>ATG; c.11C>T, p.Thr4Met (NM_001114107.5, NM_001257962.2, NM_001257963.2); short protein forms T4M.
Identifiers: ClinVar variation 201956 (VCV000201956.21), dbSNP rs781358846, ClinGen allele CA335491.

ClinVar aggregate classification (germline): Conflicting classifications of pathogenicity. Review status: criteria provided, conflicting classifications (1 of 4 stars). 5 submissions from 5 submitters: Uncertain significance (4); Likely benign (1). Last evaluated 2026-01-18.

Conditions:
Primary dilated cardiomyopathy (DCM). Also called: Dilated Cardiomyopathy. Identifiers: Orphanet 217604, MedGen C0007193, MeSH D002311, MONDO:0005021, HP:0001644. Inheritance: Various modes of inheritance.
Hypertrophic cardiomyopathy. Also called: HYPERTROPHIC MYOCARDIOPATHY. Identifiers: Orphanet 217569, MedGen C0007194, MeSH D002312, MONDO:0005045, HP:0001639.

Allele frequency attached by ClinVar (database versions not stated): gnomAD 0.00004; TOPMed 0.00003; gnomAD exomes 0.00012; ExAC 0.00010.
gnomAD v4.1: 49 of 1,597,862 alleles (0.0031%); highest among the groups gnomAD compares: Middle Eastern, 0.05%; no homozygotes.

Submissions (5):

Labcorp Genetics (formerly Invitae), Labcorp
Classification: Uncertain significance for Hypertrophic cardiomyopathy; Primary dilated cardiomyopathy. Last evaluated: 2026-01-18. Review status: criteria provided, single submitter. Criteria: Invitae Variant Classification Sherloc (09022015). Collection method: clinical testing. Allele origin: germline.
Comment: This sequence change replaces threonine, which is neutral and polar, with methionine, which is neutral and non-polar, at codon 4 of the PDLIM3 protein (p.Thr4Met). This variant is present in population databases (rs781358846, gnomAD 0.07%), and has an allele count higher than expected for a pathogenic variant. This variant has not been reported in the literature in individuals affected with PDLIM3-related conditions. ClinVar contains an entry for this variant (Variation ID: 201956). An algorithm developed to predict the effect of missense changes on protein structure and function (PolyPhen-2) suggests that this variant is likely to be disruptive. In summary, the available evidence is currently insufficient to determine the role of this variant in disease. Therefore, it has been classified as a Variant of Uncertain Significance.

GeneDx
Classification: Uncertain significance. Last evaluated: 2025-10-17. Review status: criteria provided, single submitter. Criteria: GeneDx Variant Classification Process June 2021. Collection method: clinical testing. Allele origin: germline. Affected: yes.
Comment: Has not been previously published as pathogenic or benign to our knowledge; In silico analysis suggests that this missense variant does not alter protein structure/function; Variants in candidate genes are classified as variants of uncertain significance in accordance with ACMG guidelines (PMID: 25741868)

Ambry Genetics
Classification: Uncertain significance. Last evaluated: 2024-04-14. Review status: criteria provided, single submitter. Criteria: Ambry Variant Classification Scheme 2023. Collection method: clinical testing. Allele origin: germline.
Comment: The p.T4M variant (also known as c.11C>T), located in coding exon 1 of the PDLIM3 gene, results from a C to T substitution at nucleotide position 11. The threonine at codon 4 is replaced by methionine, an amino acid with similar properties. This amino acid position is conserved. In addition, this alteration is predicted to be tolerated by in silico analysis. Since supporting evidence is limited at this time, the clinical significance of this alteration remains unclear.

Women's Health and Genetics/Laboratory Corporation of America, LabCorp
Classification: Likely benign. Last evaluated: 2023-11-21. Review status: criteria provided, single submitter. Criteria: LabCorp Variant Classification Summary - May 2015. Collection method: clinical testing. Allele origin: germline.
Comment: Variant summary: PDLIM3 c.11C>T (p.Thr4Met) results in a non-conservative amino acid change in the encoded protein sequence. Three of five in-silico tools predict a damaging effect of the variant on protein function. The variant allele was found at a frequency of 0.00012 in 223294 control chromosomes. The observed variant frequency is approximately 9.32 fold of the estimated maximal expected allele frequency for a pathogenic variant in PDLIM3 causing Hypertrophic Cardiomyopathy phenotype (1.3e-05), strongly suggesting that the variant is benign. c.11C>T has been reported in the literature in family members affected with Cardiomyopathy, in which a different variant was found to segregate in affected individuals (Lindholm_2022). These reports do not provide unequivocal conclusions about association of the variant with Hypertrophic Cardiomyopathy. To our knowledge, no experimental evidence demonstrating an impact on protein function has been reported. Three submitters have cited clinical-significance assessments for this variant to ClinVar after 2014. All submitters classified the variant as uncertain significance. Based on the evidence outlined above, the variant was classified as likely benign.

Stanford Center for Inherited Cardiovascular Disease, Stanford University
Classification: Uncertain significance. Review status: criteria provided, single submitter. Criteria: ACMG Guidelines, 2015. Collection method: provider interpretation. Allele origin: germline.

Literature cited by the submitters: PubMed 34802252 (cited by Women's Health and Genetics/Laboratory Corporation of America, LabCorp).